The following is an entry in ClinVar:

NM_000135.4(FANCA):c.3876_3877delinsAA (p.Glu1293Lys)

Genes: FANCA (FA complementation group A; minus strand), ZNF276 (zinc finger protein 276; plus strand). Cytogenetic location: 16q24.3.
Variant type: Indel.
Coding change: c.3876_3877delinsAA on transcript NM_000135.4 (MANE Select); coding-DNA positions 3876 to 3877, CG replaced by AA.
Protein change: p.Glu1293Lys; replaces glutamic acid 1293 with lysine.
Molecular consequence: missense variant. On other transcripts: 3 prime UTR variant (2), non-coding transcript variant (4).
Genome position (GRCh38, 1-based): chr16:89,740,051-89,740,052, CG replaced by TT on the plus strand (CG replaced by AA on the coding strand, the reverse complement: FANCA is on the minus strand). VCF-style: chr16-89740051-CG-TT. GRCh37 (hg19) VCF-style: chr16-89806459-CG-TT.
Other names: c.3876_3877delinsAA, p.Glu1293Lys (NM_001286167.3); c.*1805_*1806delinsTT (NM_001113525.2, NM_152287.4); short protein forms E1293K.
Identifiers: ClinVar variation 2004567 (VCV002004567.4), dbSNP rs2544088365, ClinGen allele CA2580092431.
Genomic context (GRCh38, chr16:89,740,051, plus strand): 5'-TACCACTCTCTGTCAACTGAAAGAGTGCCAGCCAGGATATCTTCCTCTTCTCTAAACACT[CG>TT]AGGATTGCTGCACAAACGTGGAAAGCCTTTGGCAGGTCTGTGGTGCTCTGTAAACCGCAG-3'
Protein context (NP_000126.2, residues 1283-1303): KAFHVCAAIL[Glu1293Lys]CLEKRKISWL

ClinVar aggregate classification (germline): Uncertain significance (1 of 4 stars; one submission).

Conditions:
Fanconi anemia (FA). Also called: Fanconi's anemia. Identifiers: Orphanet 84, MedGen C0015625, MeSH D005199, MONDO:0019391.

Submission:

Labcorp Genetics (formerly Invitae), Labcorp
Classification: Uncertain significance for Fanconi anemia. Last evaluated: 2022-08-15. Review status: criteria provided, single submitter. Criteria: Invitae Variant Classification Sherloc (09022015). Collection method: clinical testing. Allele origin: germline.
Comment: In summary, the available evidence is currently insufficient to determine the role of this variant in disease. Therefore, it has been classified as a Variant of Uncertain Significance. Experimental studies and prediction algorithms are not available or were not evaluated, and the functional significance of this variant is currently unknown. This variant has not been reported in the literature in individuals affected with FANCA-related conditions. Information on the frequency of this variant in the gnomAD database is not available, as this variant may be reported differently in the database. This sequence change replaces glutamic acid, which is acidic and polar, with lysine, which is basic and polar, at codon 1293 of the FANCA protein (p.Glu1293Lys).